The following is an entry in ClinVar:

NM_000226.4(KRT9):c.1648_1714del (p.His550fs)

Gene: KRT9 (keratin 9; minus strand). Cytogenetic location: 17q21.2.
Variant type: Deletion.
Coding change: c.1648_1714del on transcript NM_000226.4 (MANE Select); coding-DNA positions 1648 to 1714, 67 bases deleted.
Protein change: p.His550fs; shifts the reading frame from histidine 550.
Molecular consequence: frameshift variant.
Genome position (GRCh38, 1-based): chr17:41,567,431-41,567,497, 67 bases deleted. GRCh37 (hg19): chr17:39,723,684-39,723,750.
Other names: short protein forms H550fs.
Identifiers: ClinVar variation 1050022 (VCV001050022.1), dbSNP rs2144567313, ClinGen allele CA2499224316.

ClinVar aggregate classification (germline): Uncertain significance (0 of 4 stars; one submission).

Submission:

Department of Pathology and Laboratory Medicine, Sinai Health System
Classification: Uncertain significance. Review status: no assertion criteria provided. Collection method: clinical testing. Allele origin: unknown. Affected: yes. Study: The Canadian Open Genetics Repository (COGR).
Comment: The KRT9 p.His550_Gly571del variant was not identified in the literature nor was it identified in dbSNP, ClinVar, LOVD 3.0 or in the following control databases: the 1000 Genomes Project, the NHLBI GO Exome Sequencing Project, the Exome Aggregation Consortium (August 8th 2016), or the Genome Aggregation Database (March 6, 2019, v2.1.1).This variant is an in-frame deletion resulting in the removal of residues 550 to 571; the impact of this alteration on KRT9 protein function is not known. The variant occurs outside of the splicing consensus sequence and two of four in silico or computational prediction software programs (SpliceSiteFinder, MaxEntScan, NNSPLICE, GeneSplicer) predict a 10% difference in splicing. In summary, based on the above information the clinical significance of this variant cannot be determined with certainty at this time. This variant is classified as a variant of uncertain significance.